The following is an entry in ClinVar:

ClinVar aggregate classification (germline): Likely benign. Review status: criteria provided, multiple submitters, no conflicts (2 of 4 stars). 2 submissions from 2 submitters: Likely benign (2). Last evaluated 2026-01-07.

Conditions:
Familial thoracic aortic aneurysm and aortic dissection (TAAD). Also called: Thoracic aortic aneurysms and dissections. Identifiers: Orphanet 91387, MedGen C4707243, MONDO:0019625.
Marfan syndrome (MFS). Also called: Marfan syndrome type 1; Marfan syndrome, classic; Marfan's syndrome; FBN1-Related Marfan Syndrome; MARFAN SYNDROME, TYPE I. Identifiers: Orphanet 284963, Orphanet 558, MedGen C0024796, MONDO:0007947, OMIM 154700.

Allele frequency attached by ClinVar (database versions not stated): gnomAD exomes below 0.00001 and 0.00001; gnomAD 0.00003; ExAC 0.00002; TOPMed 0.00004.
gnomAD v4.1: 9 of 1,554,470 alleles (0.00058%); highest among the groups gnomAD compares: African/African-American, 0.0014%; no homozygotes.

Submissions (2):

Labcorp Genetics (formerly Invitae), Labcorp
Classification: Likely benign for Marfan syndrome; Familial thoracic aortic aneurysm and aortic dissection. Last evaluated: 2026-01-07. Review status: criteria provided, single submitter. Criteria: Invitae Variant Classification Sherloc (09022015). Collection method: clinical testing. Allele origin: germline.

GeneDx
Classification: Likely benign. Last evaluated: 2017-12-14. Review status: criteria provided, single submitter. Criteria: GeneDx Variant Classification (06012015). Collection method: clinical testing. Allele origin: germline. Affected: yes.
Comment: This variant is considered likely benign or benign based on one or more of the following criteria: it is a conservative change, it occurs at a poorly conserved position in the protein, it is predicted to be benign by multiple in silico algorithms, and/or has population frequency not consistent with disease.

NM_000138.5(FBN1):c.442+19T>C

Gene: FBN1 (fibrillin 1; minus strand). Cytogenetic location: 15q21.1.
Variant type: single nucleotide variant.
Coding change: c.442+19T>C on transcript NM_000138.5 (MANE Select); 19 bases into the intron after coding-DNA position 442, T replaced by C.
Molecular consequence: intron variant.
Genome position (GRCh38, 1-based): chr15:48,600,120, A>G on the plus strand (T>C on the coding strand, the complement: FBN1 is on the minus strand). VCF-style: chr15-48600120-A-G. GRCh37 (hg19) VCF-style: chr15-48892317-A-G.
Identifiers: ClinVar variation 506512 (VCV000506512.8), dbSNP rs757466131, ClinGen allele CA052842.